The following is an entry in ClinVar:

NM_001366686.3(SIK3):c.3534C>T (p.Thr1178=)

Gene: SIK3 (SIK family kinase 3; minus strand). Cytogenetic location: 11q23.3.
Variant type: single nucleotide variant.
Coding change: c.3534C>T on transcript NM_001366686.3 (MANE Select); coding-DNA position 3534, C replaced by T.
Protein change: p.Thr1178=; no amino-acid change (threonine 1178 retained).
Molecular consequence: synonymous variant.
Genome position (GRCh38, 1-based): chr11:116,857,931, G>A on the plus strand (C>T on the coding strand, the complement: SIK3 is on the minus strand). VCF-style: chr11-116857931-G-A. GRCh37 (hg19) VCF-style: chr11-116728647-G-A.
Other names: c.2733C>T, p.Thr911= (NM_001281748.3); c.3210C>T, p.Thr1070= (NM_001281749.3); c.3390C>T, p.Thr1130= (NM_025164.6).
Identifiers: ClinVar variation 3057408 (VCV003057408.2), dbSNP rs541502159, ClinGen allele CA6290135.

ClinVar aggregate classification (germline): Likely benign (0 of 4 stars; one submission).

Conditions:
SIK3-related disorder. Also called: SIK3-related condition.

Allele frequency attached by ClinVar (database versions not stated): ExAC 0.00002; gnomAD 0.00002; gnomAD exomes 0.00004; TOPMed 0.00005; 1000 Genomes Project 0.00020; 1000 Genomes Project 30x 0.00031.
gnomAD v4.1: 67 of 1,614,162 alleles (0.0042%); highest among the groups gnomAD compares: Middle Eastern, 0.016%; no homozygotes.

Submission:

PreventionGenetics, part of Exact Sciences
Classification: Likely benign for SIK3-related condition. Last evaluated: 2019-04-15. Review status: no assertion criteria provided. Collection method: clinical testing. Allele origin: germline.
Comment: This variant is classified as likely benign based on ACMG/AMP sequence variant interpretation guidelines (Richards et al. 2015 PMID: 25741868, with internal and published modifications).